The following is an entry in ClinVar:

ClinVar aggregate classification (germline): Uncertain significance (1 of 4 stars; one submission).

Conditions:
Developmental and epileptic encephalopathy, 36 (DEE36). Also called: Congenital disorder of glycosylation, type Is; ALG13-CDG; Epileptic encephalopathy, early infantile, 36. Identifiers: Orphanet 324422, MedGen C4317295, MONDO:0010472, OMIM 300884.

gnomAD v4.1: 6 of 1,212,376 alleles (0.00049%); highest among the groups gnomAD compares: Non-Finnish European, 0.00045%; no homozygotes.

Submission:

Labcorp Genetics (formerly Invitae), Labcorp
Classification: Uncertain significance for Developmental and epileptic encephalopathy, 36. Last evaluated: 2024-05-21. Review status: criteria provided, single submitter. Criteria: Invitae Variant Classification Sherloc (09022015). Collection method: clinical testing. Allele origin: germline.
Comment: This sequence change replaces threonine, which is neutral and polar, with serine, which is neutral and polar, at codon 10 of the ALG13 protein (p.Thr10Ser). This variant is present in population databases (no rsID available, gnomAD 0.001%). This variant has not been reported in the literature in individuals affected with ALG13-related conditions. An algorithm developed to predict the effect of missense changes on protein structure and function (PolyPhen-2) suggests that this variant is likely to be tolerated. In summary, the available evidence is currently insufficient to determine the role of this variant in disease. Therefore, it has been classified as a Variant of Uncertain Significance.

NM_001099922.3(ALG13):c.29C>G (p.Thr10Ser)

Gene: ALG13 (ALG13 UDP-N-acetylglucosaminyltransferase subunit; plus strand). Cytogenetic location: Xq23.
Variant type: single nucleotide variant.
Coding change: c.29C>G on transcript NM_001099922.3 (MANE Select); coding-DNA position 29, C replaced by G.
Protein change: p.Thr10Ser; replaces threonine 10 with serine.
Molecular consequence: missense variant. On other transcripts: 5 prime UTR variant (9), non-coding transcript variant (3).
Genome position (GRCh38, 1-based): chrX:111,681,247, C>G. VCF-style: chrX-111681247-C-G. GRCh37 (hg19) VCF-style: chrX-110924475-C-G.
Other names: c.-272C>G (NM_001257241.3, NM_001257231.2); c.29C>G, p.Thr10Ser (NM_001324290.2, NM_001324292.2, NM_018466.6 and 2 more transcripts); c.-180C>G (NM_001324291.2, NM_001257230.2); c.-409C>G (NM_001324293.1, NM_001257237.2, NM_001257240.3); c.-305C>G (NM_001257234.2, NM_001257235.3); short protein forms T10S.
Identifiers: ClinVar variation 3699070 (VCV003699070.2).